The following is an entry in ClinVar:

ClinVar aggregate classification (germline): Uncertain significance. Review status: criteria provided, multiple submitters, no conflicts (2 of 4 stars). 3 submissions from 3 submitters: Uncertain significance (3). Last evaluated 2025-07-22.

Conditions:
Tuberous sclerosis 1 (TSC1). Identifiers: Orphanet 805, MedGen C1854465, MONDO:0008612, OMIM 191100.
Hereditary cancer-predisposing syndrome. Also called: Hereditary neoplastic syndrome; Neoplastic Syndromes, Hereditary; Tumor predisposition; Hereditary Cancer Syndrome. Identifiers: Orphanet 140162, MedGen C0027672, MeSH D009386, MONDO:0015356.

Allele frequency attached by ClinVar (database versions not stated): gnomAD exomes below 0.00001; TOPMed below 0.00001; gnomAD 0.00001.

Submissions (3):

Quest Diagnostics Nichols Institute San Juan Capistrano
Classification: Uncertain significance. Last evaluated: 2025-07-22. Review status: criteria provided, single submitter. Criteria: Quest Diagnostics criteria. Collection method: clinical testing. Allele origin: unknown.

Labcorp Genetics (formerly Invitae), Labcorp
Classification: Uncertain significance for Tuberous sclerosis 1. Last evaluated: 2025-06-24. Review status: criteria provided, single submitter. Criteria: Invitae Variant Classification Sherloc (09022015). Collection method: clinical testing. Allele origin: germline.
Comment: This sequence change replaces methionine, which is neutral and non-polar, with valine, which is neutral and non-polar, at codon 142 of the TSC1 protein (p.Met142Val). This variant is not present in population databases (gnomAD no frequency). This missense change has been observed in individual(s) with epilepsy (PMID: 34992632). ClinVar contains an entry for this variant (Variation ID: 1005800). Invitae Evidence Modeling of protein sequence and biophysical properties (such as structural, functional, and spatial information, amino acid conservation, physicochemical variation, residue mobility, and thermodynamic stability) indicates that this missense variant is not expected to disrupt TSC1 protein function with a negative predictive value of 95%. In summary, the available evidence is currently insufficient to determine the role of this variant in disease. Therefore, it has been classified as a Variant of Uncertain Significance.

Ambry Genetics
Classification: Uncertain significance for Hereditary cancer-predisposing syndrome. Last evaluated: 2024-08-22. Review status: criteria provided, single submitter. Criteria: Ambry Variant Classification Scheme 2023. Collection method: clinical testing. Allele origin: germline.
Comment: The p.M142V variant (also known as c.424A>G), located in coding exon 4 of the TSC1 gene, results from an A to G substitution at nucleotide position 424. The methionine at codon 142 is replaced by valine, an amino acid with highly similar properties. This amino acid position is highly conserved in available vertebrate species. In addition, this alteration is predicted to be deleterious by in silico analysis. Since supporting evidence is limited at this time, the clinical significance of this alteration remains unclear.

Literature cited by the submitters: PubMed 34992632 (cited by Labcorp Genetics (formerly Invitae), Labcorp).

NM_000368.5(TSC1):c.424A>G (p.Met142Val)

Gene: TSC1 (TSC complex subunit 1; minus strand). Cytogenetic location: 9q34.13.
Variant type: single nucleotide variant.
Coding change: c.424A>G on transcript NM_000368.5 (MANE Select); coding-DNA position 424, A replaced by G.
Protein change: p.Met142Val; replaces methionine 142 with valine.
Molecular consequence: missense variant.
Genome position (GRCh38, 1-based): chr9:132,923,432, T>C on the plus strand (A>G on the coding strand, the complement: TSC1 is on the minus strand). VCF-style: chr9-132923432-T-C. GRCh37 (hg19) VCF-style: chr9-135798819-T-C.
Other names: c.424A>G, p.Met142Val (NM_001162426.2); c.271A>G, p.Met91Val (NM_001162427.2); c.61A>G, p.Met21Val (NM_001362177.2); short protein forms M142V, M21V, M91V.
Identifiers: ClinVar variation 1005800 (VCV001005800.13), dbSNP rs1846677025, ClinGen allele CA375373500.
Genomic context (GRCh38, chr9:132,923,432, plus strand): 5'-ACAGACGGCCAAAAATGTCAAAGAAATCAAGAAGATGCTGTTTCCCAGACTGTGGAATCA[T>C]TGGTAGCATGGTTATCAACACCAAGACGCCTGTTGTGAGGACAACGACGTCAGTGTCCAT-3'
Protein context (NP_000359.1, residues 132-152): GVLVLITMLP[Met142Val]IPQSGKQHLL